The following is an entry in ClinVar:

NM_004360.5(CDH1):c.2416G>A (p.Glu806Lys)

Gene: CDH1 (cadherin 1; plus strand). Cytogenetic location: 16q22.1.
Variant type: single nucleotide variant.
Coding change: c.2416G>A on transcript NM_004360.5 (MANE Select); coding-DNA position 2416, G replaced by A.
Protein change: p.Glu806Lys; replaces glutamic acid 806 with lysine.
Molecular consequence: missense variant.
Genome position (GRCh38, 1-based): chr16:68,829,774, G>A. VCF-style: chr16-68829774-G-A. GRCh37 (hg19) VCF-style: chr16-68863677-G-A.
Other names: c.2416G>A (LRG_301t1); c.2233G>A, p.Glu745Lys (NM_001317184.2); c.868G>A, p.Glu290Lys (NM_001317185.2); c.451G>A, p.Glu151Lys (NM_001317186.2); short protein forms E806K, E290K, E745K, E151K.
Identifiers: ClinVar variation 234857 (VCV000234857.21), dbSNP rs376922615, ClinGen allele CA8130271.

ClinVar aggregate classification (germline): Uncertain significance. Review status: criteria provided, multiple submitters, no conflicts (2 of 4 stars). 5 submissions from 5 submitters: Uncertain significance (5). Last evaluated 2026-01-25.

Conditions:
Hereditary cancer-predisposing syndrome. Also called: Tumor predisposition; Hereditary Cancer Syndrome; Hereditary neoplastic syndrome; Neoplastic Syndromes, Hereditary. Identifiers: Orphanet 140162, MedGen C0027672, MeSH D009386, MONDO:0015356.
Hereditary diffuse gastric adenocarcinoma (HDGC). Also called: DIFFUSE GASTRIC AND LOBULAR BREAST CANCER SYNDROME. Identifiers: Orphanet 26106, MedGen C1708349, MONDO:0007648, OMIM 137215.

Allele frequency attached by ClinVar (database versions not stated): gnomAD 0.00001; gnomAD exomes 0.00001 and 0.00003; TOPMed 0.00001; ExAC 0.00002; ESP Exome Variant Server 0.00008.
gnomAD v4.1: 40 of 1,613,816 alleles (0.0025%); highest among the groups gnomAD compares: Non-Finnish European, 0.0032%; no homozygotes.

Submissions (5):

Labcorp Genetics (formerly Invitae), Labcorp
Classification: Uncertain significance for Hereditary diffuse gastric adenocarcinoma. Last evaluated: 2026-01-25. Review status: criteria provided, single submitter. Criteria: Invitae Variant Classification Sherloc (09022015). Collection method: clinical testing. Allele origin: germline.
Comment: This sequence change replaces glutamic acid, which is acidic and polar, with lysine, which is basic and polar, at codon 806 of the CDH1 protein (p.Glu806Lys). This variant is present in population databases (rs376922615, gnomAD 0.003%). This variant has not been reported in the literature in individuals affected with CDH1-related conditions. ClinVar contains an entry for this variant (Variation ID: 234857). An algorithm developed to predict the effect of missense changes on protein structure and function (PolyPhen-2) suggests that this variant is likely to be disruptive. In summary, the available evidence is currently insufficient to determine the role of this variant in disease. Therefore, it has been classified as a Variant of Uncertain Significance.

Color Diagnostics, LLC DBA Color Health
Classification: Uncertain significance for Hereditary cancer-predisposing syndrome. Last evaluated: 2025-10-28. Review status: criteria provided, single submitter. Criteria: ACMG Guidelines, 2015. Collection method: clinical testing. Allele origin: germline.
Comment: This missense variant replaces glutamic acid with lysine at codon 806 of the CDH1 protein. To our knowledge, functional studies have not been reported for this variant. This variant has not been reported as a germline variant in individuals affected with hereditary cancer in the literature. This variant has been identified in 40/1613816 chromosomes in the general population by the Genome Aggregation Database (gnomAD v4). The available evidence is insufficient to determine the role of this variant in disease conclusively. Therefore, this variant is classified as a Variant of Uncertain Significance.

Ambry Genetics
Classification: Uncertain significance for Hereditary cancer-predisposing syndrome. Last evaluated: 2025-01-27. Review status: criteria provided, single submitter. Criteria: Ambry Variant Classification Scheme 2023. Collection method: clinical testing. Allele origin: germline.
Comment: The p.E806K variant (also known as c.2416G>A), located in coding exon 15 of the CDH1 gene, results from a G to A substitution at nucleotide position 2416. The glutamic acid at codon 806 is replaced by lysine, an amino acid with similar properties. This alteration was reported in 100% of tumor cells from one case of lobular breast carcinoma, and authors noted loss of heterozygosity and IHC analysis showing a lack of E-cadherin expression in this tumor (Marchi&ograve; C et al. J. Pathol., 2017 Feb;241:405-419). This amino acid position is well conserved in available vertebrate species. In addition, this alteration is predicted to be deleterious by in silico analysis. Since supporting evidence is limited at this time, the clinical significance of this alteration remains unclear.

Sema4
Classification: Uncertain significance for Hereditary cancer-predisposing syndrome. Last evaluated: 2022-02-28. Review status: criteria provided, single submitter. Criteria: Sema4 Curation Guidelines. Collection method: curation. Allele origin: germline.
Comment: To the best of our knowledge, the CDH1 c.2416G>A (p.E806K) variant has not been reported in individuals with CDH1-related disease. It was observed in 2/251268 chromosomes across all populations, in the large and broad cohorts of the Genome Aggregation Database(PMID: 32461654). The variant has been reported in ClinVar (Variation ID 234857). In silico tools suggest the impact of the variant on protein function is deleterious, though these predictions have not been confirmed by functional studies. The evidence is insufficient to meet ACMG/AMP criteria for classifying the variant as benign or pathogenic. Thus, the clinical significance of this variant is currently uncertain.

GeneDx
Classification: Uncertain significance. Last evaluated: 2018-02-07. Review status: criteria provided, single submitter. Criteria: GeneDx Variant Classification (06012015). Collection method: clinical testing. Allele origin: germline. Affected: yes.
Comment: This variant is denoted CDH1 c.2416G>A at the cDNA level, p.Glu806Lys (E806K) at the protein level, and results in the change of a Glutamic Acid to a Lysine (GAA>AAA). This variant has not, to our knowledge, been published in the literature as pathogenic or benign. CDH1 Glu806Lys was not observed at a significant allele frequency in large population cohorts (Lek 2016). Since Glutamic Acid and Lysine differ in polarity, charge, size or other properties, this is considered a non-conservative amino acid substitution. CDH1 Glu806Lys is located in the cytoplasmic domain (Brooks-Wilson 2004, Figueiredo 2013). In silico analysis, which includes protein predictors and evolutionary conservation, support a deleterious effect. Based on currently available evidence, it is unclear whether CDH1 Glu806Lys is a pathogenic or benign variant. We consider it to be a variant of uncertain significance.

Literature cited by the submitters: PubMed 27925203 (cited by Ambry Genetics).